The following is an entry in ClinVar:

NM_006440.5(TXNRD2):c.379A>C (p.Lys127Gln)

Gene: TXNRD2 (thioredoxin reductase 2; minus strand). Cytogenetic location: 22q11.21.
Variant type: single nucleotide variant.
Coding change: c.379A>C on transcript NM_006440.5 (MANE Select); coding-DNA position 379, A replaced by C.
Protein change: p.Lys127Gln; replaces lysine 127 with glutamine.
Molecular consequence: missense variant. On other transcripts: non-coding transcript variant (1).
Genome position (GRCh38, 1-based): chr22:19,918,213, T>G on the plus strand (A>C on the coding strand, the complement: TXNRD2 is on the minus strand). VCF-style: chr22-19918213-T-G. GRCh37 (hg19) VCF-style: chr22-19905736-T-G.
Other names: c.379A>C, p.Lys127Gln (NM_001282512.3); c.376A>C, p.Lys126Gln (NM_001352300.2); c.289A>C, p.Lys97Gln (NM_001352301.2); c.91A>C, p.Lys31Gln (NM_001352302.2); c.283A>C, p.Lys95Gln (NM_001352303.2); short protein forms K126Q, K95Q, K97Q, K31Q, K127Q.
Identifiers: ClinVar variation 4740919 (VCV004740919.1).

ClinVar aggregate classification (germline): Uncertain significance (1 of 4 stars; one submission).

Conditions:
Primary dilated cardiomyopathy (DCM). Also called: Dilated Cardiomyopathy. Identifiers: Orphanet 217604, MedGen C0007193, MeSH D002311, MONDO:0005021, HP:0001644. Inheritance: Various modes of inheritance.

Submission:

Labcorp Genetics (formerly Invitae), Labcorp
Classification: Uncertain significance for Primary dilated cardiomyopathy. Last evaluated: 2025-09-23. Review status: criteria provided, single submitter. Criteria: Invitae Variant Classification Sherloc (09022015). Collection method: clinical testing. Allele origin: germline.
Comment: This sequence change replaces lysine, which is basic and polar, with glutamine, which is neutral and polar, at codon 127 of the TXNRD2 protein (p.Lys127Gln). This variant is not present in population databases (gnomAD no frequency). This variant has not been reported in the literature in individuals affected with TXNRD2-related conditions. Invitae Evidence Modeling of protein sequence and biophysical properties (such as structural, functional, and spatial information, amino acid conservation, physicochemical variation, residue mobility, and thermodynamic stability) indicates that this missense variant is not expected to disrupt TXNRD2 protein function with a negative predictive value of 80%. In summary, the available evidence is currently insufficient to determine the role of this variant in disease. Therefore, it has been classified as a Variant of Uncertain Significance.